The following is an entry in ClinVar:

NM_001330063.2(ANKFY1):c.2781T>C (p.Leu927=)

Gene: ANKFY1 (ankyrin repeat and FYVE domain containing 1; minus strand). Cytogenetic location: 17p13.2.
Variant type: single nucleotide variant.
Coding change: c.2781T>C on transcript NM_001330063.2 (MANE Select); coding-DNA position 2781, T replaced by C.
Protein change: p.Leu927=; no amino-acid change (leucine 927 retained).
Molecular consequence: synonymous variant. On other transcripts: non-coding transcript variant (1).
Genome position (GRCh38, 1-based): chr17:4,174,051, A>G on the plus strand (T>C on the coding strand, the complement: ANKFY1 is on the minus strand). VCF-style: chr17-4174051-A-G. GRCh37 (hg19) VCF-style: chr17-4077346-A-G.
Other names: c.2907T>C, p.Leu969= (NM_001257999.3); c.2784T>C, p.Leu928= (NM_016376.5).
Identifiers: ClinVar variation 3031176 (VCV003031176.2), dbSNP rs2507773783, ClinGen allele CA497496918.

ClinVar aggregate classification (germline): Likely benign (0 of 4 stars; one submission).

Conditions:
ANKFY1-related disorder. Also called: ANKFY1-related condition.

Submission:

PreventionGenetics, part of Exact Sciences
Classification: Likely benign for ANKFY1-related condition. Last evaluated: 2021-02-23. Review status: no assertion criteria provided. Collection method: clinical testing. Allele origin: germline.
Comment: This variant is classified as likely benign based on ACMG/AMP sequence variant interpretation guidelines (Richards et al. 2015 PMID: 25741868, with internal and published modifications).